The following is an entry in ClinVar:

ClinVar aggregate classification (germline): Conflicting classifications of pathogenicity. Review status: criteria provided, conflicting classifications (1 of 4 stars). 10 submissions from 10 submitters: Uncertain significance (5); Benign (1); Likely benign (4). Last evaluated 2026-06-29.

Conditions:
NOTCH1-related disorder. Also called: NOTCH1-related disorders; NOTCH1-related condition.
Adams-Oliver syndrome 5 (AOS5). Identifiers: Orphanet 974, MedGen C4014970, MONDO:0014459, OMIM 616028.
Aortic valve disease 1 (AOVD1). Identifiers: MedGen C3887892, MONDO:0024523, OMIM 109730.
Familial thoracic aortic aneurysm and aortic dissection (TAAD). Also called: Thoracic aortic aneurysms and dissections. Identifiers: Orphanet 91387, MedGen C4707243, MONDO:0019625.
Benign hereditary chorea (BHC). Also called: HEREDITARY PROGRESSIVE CHOREA WITHOUT DEMENTIA; Benign Hereditary Chorea (BHC). Identifiers: Orphanet 1429, MedGen C0393584, MONDO:0021011, OMIM 118700.

Allele frequency attached by ClinVar (database versions not stated): gnomAD 0.00007 and 0.00008; TOPMed 0.00009; gnomAD exomes 0.00010 and 0.00013; ExAC 0.00012.
gnomAD v4.1: 203 of 1,610,092 alleles (0.013%); highest among the groups gnomAD compares: Non-Finnish European, 0.016%; no homozygotes.

Submissions (10):

Women's Health and Genetics/Laboratory Corporation of America, LabCorp
Classification: Likely benign. Last evaluated: 2026-06-29. Review status: criteria provided, single submitter. Criteria: LabCorp Variant Classification Summary - May 2015. Collection method: clinical testing. Allele origin: germline.
Comment: Variant summary: NOTCH1 c.4313G>A (p.Arg1438His) results in a non-conservative amino acid change in the encoded protein sequence. Algorithms developed to predict the effect of missense changes on protein structure and function are either unavailable or do not agree on the potential impact of this missense change. The variant allele was found at a frequency of 9.9e-05 in 241208 control chromosomes, predominantly at a frequency of 0.00018 within the Non-Finnish European subpopulation in the gnomAD database. The observed variant frequency within Non-Finnish European control individuals in the gnomAD database exceeds the estimated maximal expected allele frequency for disease-causing variants in NOTCH1. c.4313G>A has been observed in an individual(s) affected with bicuspid aortic valve (Pileggi_2019), however, this evidence does not provide unequivocal conclusions about association of the variant with disease. To our knowledge, no experimental evidence demonstrating an impact on protein function has been reported. The following publication has been ascertained in the context of this evaluation (PMID: 31330235). ClinVar contains an entry for this variant (Variation ID: 409054). Based on the evidence outlined above, the variant was classified as likely benign.

Labcorp Genetics (formerly Invitae), Labcorp
Classification: Likely benign for Adams-Oliver syndrome 5. Last evaluated: 2026-01-31. Review status: criteria provided, single submitter. Criteria: Invitae Variant Classification Sherloc (09022015). Collection method: clinical testing. Allele origin: germline.

Ambry Genetics
Classification: Likely benign for Familial thoracic aortic aneurysm and aortic dissection. Last evaluated: 2025-11-14. Review status: criteria provided, single submitter. Criteria: Ambry Variant Classification Scheme 2023. Collection method: clinical testing. Allele origin: germline.

GeneDx
Classification: Uncertain significance. Last evaluated: 2025-08-23. Review status: criteria provided, single submitter. Criteria: GeneDx Variant Classification Process June 2021. Collection method: clinical testing. Allele origin: germline. Affected: yes.
Comment: Has not been previously published as pathogenic or benign to our knowledge; In silico analysis suggests that this missense variant does not alter protein structure/function; This variant is associated with the following publications: (PMID: 26353884)

PreventionGenetics, part of Exact Sciences
Classification: Uncertain significance for NOTCH1-related condition. Last evaluated: 2025-07-23. Review status: criteria provided, single submitter. Criteria: ACMG Guidelines, 2015. Collection method: clinical testing. Allele origin: germline.
Comment: The NOTCH1 c.4313G>A variant is predicted to result in the amino acid substitution p.Arg1438His. To our knowledge, this variant has not been reported in the literature. This variant is reported in 0.020% of alleles in individuals of European (Non-Finnish) descent in gnomAD. Although we suspect that this variant may be benign, at this time, the clinical significance of this variant is uncertain due to the absence of conclusive functional and genetic evidence.

Laboratory of Genetics, Children's Clinical University Hospital Latvia
Classification: Likely benign. Last evaluated: 2025-02-16. Review status: criteria provided, single submitter. Criteria: ACMG Guidelines, 2015. Collection method: clinical testing. Allele origin: germline. Affected: yes.

Johns Hopkins Genomics, Johns Hopkins University
Classification: Uncertain significance for Benign hereditary chorea. Last evaluated: 2024-12-16. Review status: criteria provided, single submitter. Criteria: ACMG Guidelines, 2015. Collection method: clinical testing. Allele origin: germline.
Comment: This NOTCH1 missense variant (rs61751541) is rare (<0.1%) in a large population dataset (gnomAD v4.1.0: 203/1610092 total alleles, 0.01%, 0 homozygotes) and has been reported in ClinVar (Variation ID: 409054). Two bioinformatic tools queried predict that the substitution would be tolerated. The arginine residue at this position is evolutionary conserved in many species assessed but histidine in the same position is present in many species as well. We consider the clinical significance of c.4313G>A in NOTCH1 to be uncertain at this time.

Blueprint Genetics
Classification: Benign. Last evaluated: 2023-08-08. Review status: criteria provided, single submitter. Criteria: ACMG Guidelines, 2015. Collection method: clinical testing. Allele origin: germline.

Mayo Clinic Laboratories, Mayo Clinic
Classification: Uncertain significance. Last evaluated: 2023-01-05. Review status: criteria provided, single submitter. Criteria: ACMG Guidelines, 2015. Collection method: clinical testing. Allele origin: germline. Observed: 3 variant alleles.
Comment: BP4

Fulgent Genetics
Classification: Uncertain significance for Aortic valve disease 1; Adams-Oliver syndrome 5. Last evaluated: 2018-10-31. Review status: criteria provided, single submitter. Criteria: ACMG Guidelines, 2015. Collection method: clinical testing. Allele origin: unknown.

Literature cited by the submitters: PubMed 31330235 (cited by Women's Health and Genetics/Laboratory Corporation of America, LabCorp); PubMed 25963545 (cited by Johns Hopkins Genomics, Johns Hopkins University); PubMed 26353884 (cited by Johns Hopkins Genomics, Johns Hopkins University); PubMed 26820064 (cited by Johns Hopkins Genomics, Johns Hopkins University).

NM_017617.5(NOTCH1):c.4313G>A (p.Arg1438His)

Gene: NOTCH1 (notch receptor 1; minus strand). Cytogenetic location: 9q34.3.
Variant type: single nucleotide variant.
Coding change: c.4313G>A on transcript NM_017617.5 (MANE Select); coding-DNA position 4313, G replaced by A.
Protein change: p.Arg1438His; replaces arginine 1438 with histidine.
Molecular consequence: missense variant.
Genome position (GRCh38, 1-based): chr9:136,505,583, C>T on the plus strand (G>A on the coding strand, the complement: NOTCH1 is on the minus strand). VCF-style: chr9-136505583-C-T. GRCh37 (hg19) VCF-style: chr9-139400035-C-T.
Other names: p.Arg1438His; c.4313G>A, p.Arg1438His (LRG_1122t1); c.4313G>A (NM_017617.4); short protein forms R1438H.
Identifiers: ClinVar variation 409054 (VCV000409054.28), dbSNP rs61751541, ClinGen allele CA5340647.